The following is an entry in ClinVar:

NM_000153.4(GALC):c.348C>T (p.His116=)

Gene: GALC (galactosylceramidase; minus strand). Cytogenetic location: 14q31.3.
Variant type: single nucleotide variant.
Coding change: c.348C>T on transcript NM_000153.4 (MANE Select); coding-DNA position 348, C replaced by T.
Protein change: p.His116=; no amino-acid change (histidine 116 retained).
Molecular consequence: synonymous variant.
Genome position (GRCh38, 1-based): chr14:87,986,583, G>A on the plus strand (C>T on the coding strand, the complement: GALC is on the minus strand). VCF-style: chr14-87986583-G-A. GRCh37 (hg19) VCF-style: chr14-88452927-G-A.
Other names: p.His116=; c.279C>T, p.His93= (NM_001201401.2); c.270C>T, p.His90= (NM_001201402.2).
Identifiers: ClinVar variation 1152324 (VCV001152324.10), dbSNP rs756456886, ClinGen allele CA7297409.

ClinVar aggregate classification (germline): Likely benign. Review status: criteria provided, multiple submitters, no conflicts (2 of 4 stars). 2 submissions from 2 submitters: Likely benign (2). Last evaluated 2025-04-30.

Conditions:
Galactosylceramide beta-galactosidase deficiency. Also called: GALACTOCEREBROSIDASE DEFICIENCY; Leukodystrophy, Globoid Cell; Krabbe Disease; GALC DEFICIENCY; GLOBOID CELL LEUKOENCEPHALOPATHY. Identifiers: Orphanet 487, MedGen C0023521, MONDO:0009499, OMIM 245200.

Allele frequency attached by ClinVar (database versions not stated): gnomAD exomes 0.00001 and 0.00002; TOPMed 0.00001; gnomAD 0.00003; ExAC 0.00004.
gnomAD v4.1: 24 of 1,612,772 alleles (0.0015%); highest among the groups gnomAD compares: Non-Finnish European, 0.0017%; no homozygotes.

Submissions (2):

Mayo Clinic Laboratories, Mayo Clinic
Classification: Likely benign. Last evaluated: 2025-04-30. Review status: criteria provided, single submitter. Criteria: ACMG Guidelines, 2015. Collection method: clinical testing. Allele origin: germline. Observed: 1 variant allele.
Comment: BP4, BP7

Labcorp Genetics (formerly Invitae), Labcorp
Classification: Likely benign for Galactosylceramide beta-galactosidase deficiency. Last evaluated: 2024-02-27. Review status: criteria provided, single submitter. Criteria: Invitae Variant Classification Sherloc (09022015). Collection method: clinical testing. Allele origin: germline.